The following is an entry in ClinVar:

NM_000384.3(APOB):c.197G>C (p.Gly66Ala)

Genes: APOB (apolipoprotein B; minus strand), LOC106560211 (APOB 5' regulatory region; plus strand). Cytogenetic location: 2p24.1.
Variant type: single nucleotide variant.
Coding change: c.197G>C on transcript NM_000384.3 (MANE Select); coding-DNA position 197, G replaced by C.
Protein change: p.Gly66Ala; replaces glycine 66 with alanine.
Molecular consequence: missense variant.
Genome position (GRCh38, 1-based): chr2:21,042,401, C>G on the plus strand (G>C on the coding strand, the complement: APOB is on the minus strand). VCF-style: chr2-21042401-C-G. GRCh37 (hg19) VCF-style: chr2-21265273-C-G.
Other names: short protein forms G66A.
Identifiers: ClinVar variation 3885177 (VCV003885177.1).
Genomic context (GRCh38, chr2:21,042,401, plus strand): 5'-CCTGCCTGCATCCTCCATACCTTGCAGTTGATCCTGGTGGCACTTCTTGAATCAGCAGTC[C>G]CAGGGACTCCACTGGAACTCTCAGCCTCATAGTTGTATGTGTACTTCCGGAGGTGCTTGA-3'
Protein context (NP_000375.3, residues 56-76): YEAESSSGVP[Gly66Ala]TADSRSATRI

ClinVar aggregate classification (germline): Uncertain significance (1 of 4 stars; one submission).

Conditions:
Cardiovascular phenotype. Identifiers: MedGen CN230736.

gnomAD v4.1: 1 of 1,614,090 alleles (0.000062%); highest among the groups gnomAD compares: Non-Finnish European, 0.000085%; no homozygotes.

Submission:

Ambry Genetics
Classification: Uncertain significance for Cardiovascular phenotype. Last evaluated: 2025-01-21. Review status: criteria provided, single submitter. Criteria: Ambry Variant Classification Scheme 2023. Collection method: clinical testing. Allele origin: germline.
Comment: The p.G66A variant (also known as c.197G>C), located in coding exon 3 of the APOB gene, results from a G to C substitution at nucleotide position 197. The glycine at codon 66 is replaced by alanine, an amino acid with similar properties. This amino acid position is conserved. In addition, this alteration is predicted to be tolerated by in silico analysis. Based on the available evidence, the clinical significance of this variant remains unclear.